The following is an entry in ClinVar:

NM_000088.4(COL1A1):c.229G>T (p.Glu77Ter)

Gene: COL1A1 (collagen type I alpha 1 chain; minus strand). Cytogenetic location: 17q21.33.
Variant type: single nucleotide variant.
Coding change: c.229G>T on transcript NM_000088.4 (MANE Select); coding-DNA position 229, G replaced by T.
Protein change: p.Glu77Ter; replaces glutamic acid 77 with a stop codon.
Molecular consequence: nonsense.
Genome position (GRCh38, 1-based): chr17:50,199,822, C>A on the plus strand (G>T on the coding strand, the complement: COL1A1 is on the minus strand). VCF-style: chr17-50199822-C-A. GRCh37 (hg19) VCF-style: chr17-48277183-C-A.
Other names: short protein forms E77*.
Identifiers: ClinVar variation 526853 (VCV000526853.7), dbSNP rs753683126, ClinGen allele CA400228227.
Genomic context (GRCh38, chr17:50,199,822, plus strand): 5'-CGGGGCAGACGGGACAGCACTCGCCCTCGGGGACTTCGGCGCCGGGGCAGTTCTTGGTCT[C>A]GTCACAGATCACGTCATCGCACAACACCTTGCCGTTGTCGCAGACGCAGATCCGGCAGGG-3'

ClinVar aggregate classification (germline): Pathogenic (1 of 4 stars; one submission).

Conditions:
Osteogenesis imperfecta type I (OI1). Also called: Osteogenesis imperfecta type 1; OI, TYPE I; OSTEOGENESIS IMPERFECTA TARDA; OSTEOGENESIS IMPERFECTA WITH BLUE SCLERAE; Lobstein's Disease; Lobstein disease. Identifiers: Orphanet 216796, Orphanet 666, MedGen C0023931, MONDO:0008146, OMIM 166200. Disease mechanism: loss of function.

Submission:

Labcorp Genetics (formerly Invitae), Labcorp
Classification: Pathogenic for Osteogenesis imperfecta type I. Last evaluated: 2020-04-26. Review status: criteria provided, single submitter. Criteria: Invitae Variant Classification Sherloc (09022015). Collection method: clinical testing. Allele origin: germline.
Comment: For these reasons, this variant has been classified as Pathogenic. Loss-of-function variants in COL1A1 are known to be pathogenic (PMID: 7942841, 9295084, 9443882). This variant has not been reported in the literature in individuals with COL1A1-related disease. This variant is not present in population databases (ExAC no frequency). This sequence change creates a premature translational stop signal (p.Glu77*) in the COL1A1 gene. It is expected to result in an absent or disrupted protein product.

Literature cited by the submitters: PubMed 7942841; PubMed 9295084; PubMed 9443882.